The following is an entry in ClinVar:

ClinVar aggregate classification (germline): Uncertain significance (1 of 4 stars; one submission).

Conditions:
Cardiomyopathy (CMYO). Also called: Cardiomyopathies. Identifiers: Orphanet 167848, MedGen C0878544, MONDO:0004994, HP:0001638. Inheritance: Various modes of inheritance.

Submission:

Color Diagnostics, LLC DBA Color Health
Classification: Uncertain significance for Cardiomyopathy. Last evaluated: 2024-08-20. Review status: criteria provided, single submitter. Criteria: ACMG Guidelines, 2015. Collection method: clinical testing. Allele origin: germline.
Comment: This missense variant replaces serine with proline at codon 699 of the DSP protein. Computational prediction suggests that this variant may not impact protein structure and function. To our knowledge, functional studies have not been reported for this variant. This variant has not been reported in individuals affected with DSP-related disorders in the literature. This variant has not been identified in the general population by the Genome Aggregation Database (gnomAD). The available evidence is insufficient to determine the role of this variant in disease conclusively. Therefore, this variant is classified as a Variant of Uncertain Significance.

NM_004415.4(DSP):c.2095T>C (p.Ser699Pro)

Gene: DSP (desmoplakin; plus strand). Cytogenetic location: 6p24.3.
Variant type: single nucleotide variant.
Coding change: c.2095T>C on transcript NM_004415.4 (MANE Select); coding-DNA position 2095, T replaced by C.
Protein change: p.Ser699Pro; replaces serine 699 with proline.
Molecular consequence: missense variant.
Genome position (GRCh38, 1-based): chr6:7,572,033, T>C. VCF-style: chr6-7572033-T-C. GRCh37 (hg19) VCF-style: chr6-7572266-T-C.
Other names: c.2095T>C, p.Ser699Pro (NM_001008844.3, NM_001319034.2); short protein forms S699P.
Identifiers: ClinVar variation 3894099 (VCV003894099.1).
Genomic context (GRCh38, chr6:7,572,033, plus strand): 5'-ATAGAGCACTGCGAGGGCAGGATGACTCTCAAAAACCTCCCTCTAGCAGACCAGGGATCT[T>C]CTCACCACATCACAGTGAAAATTAACGAGCTTAAGGTAGGTATCTGCTAGTATTTTGCCT-3'
Protein context (NP_004406.2, residues 689-709): KNLPLADQGS[Ser699Pro]HHITVKINEL